The following is an entry in ClinVar:

ClinVar aggregate classification (germline): Likely pathogenic. Review status: criteria provided, multiple submitters, no conflicts (2 of 4 stars). 2 submissions from 2 submitters: Likely pathogenic (2). Last evaluated 2025-02-16.

Conditions:
Autosomal recessive limb-girdle muscular dystrophy type 2J (LGMDR10). Also called: Limb-girdle muscular dystrophy, type 2J; MUSCULAR DYSTROPHY, LIMB-GIRDLE, AUTOSOMAL RECESSIVE 10. Identifiers: Orphanet 140922, MedGen C1837342, MONDO:0012127, OMIM 608807.
Dilated cardiomyopathy 1G (CMD1G). Identifiers: Orphanet 154, MedGen C1858763, MONDO:0011400, OMIM 604145.

Submissions (2):

Laboratory of Genetics, Children's Clinical University Hospital Latvia
Classification: Likely pathogenic. Last evaluated: 2025-02-16. Review status: criteria provided, single submitter. Criteria: ACMG Guidelines, 2015. Collection method: clinical testing. Allele origin: germline. Affected: yes.

Labcorp Genetics (formerly Invitae), Labcorp
Classification: Likely pathogenic for Dilated cardiomyopathy 1G; Autosomal recessive limb-girdle muscular dystrophy type 2J. Last evaluated: 2024-06-24. Review status: criteria provided, single submitter. Criteria: Invitae Variant Classification Sherloc (09022015). Collection method: clinical testing. Allele origin: germline.
Comment: This sequence change creates a premature translational stop signal (p.Lys515Asnfs*2) in the TTN gene. While this is not anticipated to result in nonsense mediated decay, it is expected to create a truncated TTN protein. This variant is not present in population databases (gnomAD no frequency). This premature translational stop signal has been observed in individual(s) with ventricular arrhythmia (PMID: 35177841). ClinVar contains an entry for this variant (Variation ID: 2049169). This variant is located in the Z band of TTN (PMID: 25589632). Truncating variants in this region have been reported in individuals affected with autosomal recessive centronuclear myopathy (PMID: 33449170, Invitae internal data). Truncating variants in this region have also been identified in individuals affected with autosomal dominant dilated cardiomyopathy and/or cardio-related conditions (PMID: 27869827, 32964742, Invitae internal data). In summary, the currently available evidence indicates that the variant is pathogenic, but additional data are needed to prove that conclusively. Therefore, this variant has been classified as Likely Pathogenic.

Literature cited by the submitters: PubMed 35177841 (cited by Labcorp Genetics (formerly Invitae), Labcorp); PubMed 25589632 (cited by Labcorp Genetics (formerly Invitae), Labcorp); PubMed 33449170 (cited by Labcorp Genetics (formerly Invitae), Labcorp); PubMed 27869827 (cited by Labcorp Genetics (formerly Invitae), Labcorp); PubMed 32964742 (cited by Labcorp Genetics (formerly Invitae), Labcorp).

NM_001267550.2(TTN):c.1545_1549del (p.Lys515fs)

Gene: TTN (titin; minus strand). Cytogenetic location: 2q31.2.
Variant type: Microsatellite.
Coding change: c.1545_1549del on transcript NM_001267550.2 (MANE Select); coding-DNA positions 1545 to 1549, 5 bases deleted (AGAAA; older notation c.1545_1549delAGAAA).
Protein change: p.Lys515fs; shifts the reading frame from lysine 515.
Molecular consequence: frameshift variant.
Genome position (GRCh38, 1-based): chr2:178,792,185-178,792,189, TTTCT deleted on the plus strand (AGAAA on the coding strand, the reverse complement: TTN is on the minus strand); deleting any 5 consecutive bases within chr2:178,792,185-178,792,195 gives the same sequence; the c. name uses the placement nearest the transcript's 3' end. VCF-style (leftmost placement, unchanged base first): chr2-178792184-GTTTCT-G. GRCh37 (hg19) VCF-style: chr2-179656911-GTTTCT-G.
Other names: c.1545_1549del, p.Lys515fs (NM_001256850.1, NM_003319.4, NM_133378.4 and 3 more transcripts); short protein forms K515fs.
Identifiers: ClinVar variation 2049169 (VCV002049169.5), dbSNP rs2533910289, ClinGen allele CA2580616634.